The following is an entry in ClinVar:

NM_001370298.3(FGD4):c.900_902del (p.Val301del)

Gene: FGD4 (FYVE, RhoGEF and PH domain containing 4; plus strand). Cytogenetic location: 12p11.21.
Variant type: Deletion.
Coding change: c.900_902del on transcript NM_001370298.3 (MANE Select); coding-DNA positions 900 to 902, 3 bases deleted (AGT; older notation c.900_902delAGT).
Protein change: p.Val301del; deletes valine 301.
Molecular consequence: inframe deletion. On other transcripts: inframe indel (1), 5 prime UTR variant (2), non-coding transcript variant (1), intron variant (1).
Genome position (GRCh38, 1-based): chr12:32,582,356-32,582,358, AGT deleted. VCF-style (leftmost placement, unchanged base first): chr12-32582355-CAGT-C. GRCh37 (hg19) VCF-style: chr12-32735289-CAGT-C.
Other names: c.744_746delAGT, p.Val249del (NM_001304481.2); c.-356_-354del (NM_001304483.2); c.-663_-661del (NM_001304484.2); c.210_212del, p.Val71del (NM_001330373.2, NM_001330374.2, NM_001384130.1); c.900_902del, p.Val301del (NM_001384126.1); c.489_491del, p.Val164del (NM_001384127.1, NM_001384128.1, NM_001384131.1 and 3 more transcripts); c.49-16141_49-16139del (NM_001370297.1); short protein forms V71del, V164del, V249del, V301del.
Identifiers: ClinVar variation 2202353 (VCV002202353.4), dbSNP rs1171769884, ClinGen allele CA604481865.
Genomic context (GRCh38, chr12:32,582,355, plus strand): 5'-CAACAGACAGCTGTGATGGAAATGCTTCTGACAGTAGCTACAGGACTCCAGGCATAGGCC[CAGT>C]GCTCCCCCTAGAAGAAAGAGGGGCAGAAACAGAAACCAAGGTACAAGAGAGGGAAAATGG-3'

ClinVar aggregate classification (germline): Uncertain significance (1 of 4 stars; one submission).

Conditions:
Charcot-Marie-Tooth disease type 4. Also called: Charcot-Marie-Tooth disease, type IV; Charcot-Marie-Tooth, Type 4. Identifiers: Orphanet 64749, MedGen C4082197, MONDO:0018995.

Allele frequency attached by ClinVar (database versions not stated): gnomAD exomes 0.00001; TOPMed 0.00001.

Submission:

Labcorp Genetics (formerly Invitae), Labcorp
Classification: Uncertain significance for Charcot-Marie-Tooth disease type 4. Last evaluated: 2022-03-02. Review status: criteria provided, single submitter. Criteria: Invitae Variant Classification Sherloc (09022015). Collection method: clinical testing. Allele origin: germline.
Comment: In summary, the available evidence is currently insufficient to determine the role of this variant in disease. Therefore, it has been classified as a Variant of Uncertain Significance. Experimental studies and prediction algorithms are not available or were not evaluated, and the functional significance of this variant is currently unknown. This variant has not been reported in the literature in individuals affected with FGD4-related conditions. This variant is present in population databases (no rsID available, gnomAD 0.0009%). This variant, c.489_491del, results in the deletion of 1 amino acid(s) of the FGD4 protein (p.Val164del), but otherwise preserves the integrity of the reading frame.